The following is an entry in ClinVar:

NM_004379.5(CREB1):c.582C>G (p.Thr194=)

Gene: CREB1 (cAMP responsive element binding protein 1; plus strand). Cytogenetic location: 2q33.3.
Variant type: single nucleotide variant.
Coding change: c.582C>G on transcript NM_004379.5 (MANE Select); coding-DNA position 582, C replaced by G.
Protein change: p.Thr194=; no amino-acid change (threonine 194 retained).
Molecular consequence: synonymous variant. On other transcripts: non-coding transcript variant (3).
Genome position (GRCh38, 1-based): chr2:207,575,348, C>G. VCF-style: chr2-207575348-C-G. GRCh37 (hg19) VCF-style: chr2-208440072-C-G.
Other names: c.582C>G, p.Thr194= (NM_001320793.3, NM_001371427.1); c.624C>G, p.Thr208= (NM_001371426.1, NM_134442.5); c.462C>G, p.Thr154= (NM_001371428.1).
Identifiers: ClinVar variation 769581 (VCV000769581.13), dbSNP rs56020464, ClinGen allele CA2076183.

ClinVar aggregate classification (germline): Benign/Likely benign. Review status: criteria provided, multiple submitters, no conflicts (2 of 4 stars). 3 submissions from 3 submitters: Benign (2); Likely benign (1). Last evaluated 2025-07-01.

Allele frequency attached by ClinVar (database versions not stated): gnomAD 0.00355 and 0.00387; TOPMed 0.00417; gnomAD exomes 0.00442 and 0.00515; ExAC 0.00459; ESP Exome Variant Server 0.00469; 1000 Genomes Project 30x 0.00484; 1000 Genomes Project 0.00519.
gnomAD v4.1: 7,205 of 1,614,092 alleles (0.45%); highest among the groups gnomAD compares: Middle Eastern, 1.2%; 45 homozygotes.

Submissions (3):

CeGaT Center for Human Genetics Tuebingen
Classification: Likely benign. Last evaluated: 2025-07-01. Review status: criteria provided, single submitter. Criteria: CeGaT Center For Human Genetics Tuebingen Variant Classification Criteria Version 2. Collection method: clinical testing. Allele origin: germline. Affected: yes. Observed: 1 variant allele.
Comment: CREB1: BP4, BP7, BS2

Labcorp Genetics (formerly Invitae), Labcorp
Classification: Benign. Last evaluated: 2019-12-31. Review status: criteria provided, single submitter. Criteria: Invitae Variant Classification Sherloc (09022015). Collection method: clinical testing. Allele origin: germline.

Breakthrough Genomics
Classification: Benign. Review status: criteria provided, single submitter. Criteria: ACMG Guidelines, 2015. Collection method: not provided. Allele origin: germline. Inheritance: Unknown mechanism. Affected: yes.